The following is an entry in ClinVar:

ClinVar aggregate classification (germline): Uncertain significance (1 of 4 stars; one submission).

Conditions:
Cardiovascular phenotype. Identifiers: MedGen CN230736.

Submission:

Ambry Genetics
Classification: Uncertain significance for Cardiovascular phenotype. Last evaluated: 2025-05-03. Review status: criteria provided, single submitter. Criteria: Ambry Variant Classification Scheme 2023. Collection method: clinical testing. Allele origin: germline.
Comment: The p.S394G variant (also known as c.1180A>G), located in coding exon 8 of the TBX1 gene, results from an A to G substitution at nucleotide position 1180. The serine at codon 394 is replaced by glycine, an amino acid with similar properties. This amino acid position is conserved. In addition, the in silico prediction for this alteration is inconclusive. Based on the available evidence, the clinical significance of this variant remains unclear.

NM_001379200.1(TBX1):c.1207A>G (p.Ser403Gly)

Gene: TBX1 (T-box transcription factor 1; plus strand). Cytogenetic location: 22q11.21.
Variant type: single nucleotide variant.
Coding change: c.1207A>G on transcript NM_001379200.1 (MANE Select); coding-DNA position 1207, A replaced by G.
Protein change: p.Ser403Gly; replaces serine 403 with glycine.
Molecular consequence: missense variant. On other transcripts: intron variant (2).
Genome position (GRCh38, 1-based): chr22:19,766,559, A>G. VCF-style: chr22-19766559-A-G. GRCh37 (hg19) VCF-style: chr22-19754082-A-G.
Other names: c.1180A>G, p.Ser394Gly (NM_080647.1); c.1009+557A>G (NM_005992.1, NM_080646.2); short protein forms S394G, S403G.
Identifiers: ClinVar variation 3966211 (VCV003966211.1).
Genomic context (GRCh38, chr22:19,766,559, plus strand): 5'-CCCGGGGCCGGCGGCGCCGGCGGCTTAGTCCCGCTGCCCGGCGCGCCCGGAGGCCGGCCC[A>G]GTCCCCCGAACCCCGAGCTGCGCCTGGAGGCGCCCGGCGCATCGGAGCCGCTGCACCACC-3'
Protein context (NP_001366129.1, residues 393-413): PLPGAPGGRP[Ser403Gly]PPNPELRLEA